The following is an entry in ClinVar:

NM_000540.3(RYR1):c.2923C>T (p.Arg975Trp)

Gene: RYR1 (ryanodine receptor 1; plus strand). Cytogenetic location: 19q13.2.
Variant type: single nucleotide variant.
Coding change: c.2923C>T on transcript NM_000540.3 (MANE Select); coding-DNA position 2923, C replaced by T.
Protein change: p.Arg975Trp; replaces arginine 975 with tryptophan.
Molecular consequence: missense variant.
Genome position (GRCh38, 1-based): chr19:38,466,143, C>T. VCF-style: chr19-38466143-C-T. GRCh37 (hg19) VCF-style: chr19-38956783-C-T.
Other names: c.2923C>T, p.Arg975Trp (NM_001042723.2); short protein forms R975W.
Identifiers: ClinVar variation 451566 (VCV000451566.15), dbSNP rs371278145, ClinGen allele CA064201.
Genomic context (GRCh38, chr19:38,466,143, plus strand): 5'-GCCCGCAGGTATATGATGAGCAATGGGTACAAGCCGGCTCCGCTGGACCTGAGCCACGTG[C>T]GGCTGACGCCGGCGCAGACGACACTGGTGGACCGTCTGGCAGAAAATGGGCACAACGTGT-3'
Protein context (NP_000531.2, residues 965-985): KPAPLDLSHV[Arg975Trp]LTPAQTTLVD

ClinVar aggregate classification (germline): Uncertain significance. Review status: criteria provided, multiple submitters, no conflicts (2 of 4 stars). 6 submissions from 6 submitters: Uncertain significance (6). Last evaluated 2026-09-04.

Conditions:
Central core myopathy (CMYO1A). Also called: CONGENITAL MYOPATHY 1A, AUTOSOMAL DOMINANT, WITH SUSCEPTIBILITY TO MALIGNANT HYPERTHERMIA; Central core disease; Myopathy, central fibrillar. Identifiers: Orphanet 597, MedGen C5830701, MONDO:0007294, OMIM 117000.
Congenital multicore myopathy with external ophthalmoplegia (CMYO1B). Also called: Congenital myopathy 1B, autosomal recessive; Minicore myopathy; MULTIMINICORE DISEASE WITH EXTERNAL OPHTHALMOPLEGIA; MULTICORE MYOPATHY; Minicore myopathy with external ophthalmoplegia. Identifiers: Orphanet 598, Orphanet 98905, MedGen C1850674, MONDO:0009712, OMIM 255320, HP:0003789.
King Denborough syndrome (KDS). Identifiers: MedGen C1840365, MONDO:0020485, OMIM 619542.
Malignant hyperthermia, susceptibility to, 1 (MHS1). Also called: Malignant hyperthermia suceptibility 1; Anesthesia related hyperthermia; Malignant hyperpyrexia; Fulminating hyperpyrexia; Pharmacogenic myopathy; RYR1-Related Malignant Hyperthermia Susceptibility. Identifiers: Orphanet 423, MedGen C2930980, MONDO:0007783, OMIM 145600.
Congenital myopathy with fiber type disproportion. Also called: Congenital fiber-type disproportion myopathy; Congenital fiber-type disproportion. Identifiers: Orphanet 2020, MedGen C0546264, MONDO:0009711. Inheritance: all.
RYR1-related disorder. Also called: RYR1-related condition; RYR1-related disorders. Identifiers: MedGen CN239331.

Allele frequency attached by ClinVar (database versions not stated): gnomAD exomes below 0.00001; ExAC 0.00001; TOPMed 0.00001; ESP Exome Variant Server 0.00008.
gnomAD v4.1: 50 of 1,613,116 alleles (0.0031%); highest among the groups gnomAD compares: Middle Eastern, 0.017%; no homozygotes.

Submissions (6):

GeneDx
Classification: Uncertain significance. Last evaluated: 2026-09-04. Review status: criteria provided, single submitter. Criteria: GeneDx Variant Classification Process June 2021. Collection method: clinical testing. Allele origin: germline.
Comment: Has been reported in patients with RYR1-related phenotypes; but segregation analysis data was not provided and comprehensive genetic testing may not have been performed in all cases (PMID: 23558838, 30155738, 33646171); Not observed at significant frequency in large population cohorts (gnomAD); In silico analysis supports that this missense variant has a deleterious effect on protein structure/function; This variant is associated with the following publications: (PMID: 23558838, Singh2026[Case Report], 33646171, 30155738)

Labcorp Genetics (formerly Invitae), Labcorp
Classification: Uncertain significance for RYR1-related disorder. Last evaluated: 2024-08-29. Review status: criteria provided, single submitter. Criteria: Invitae Variant Classification Sherloc (09022015). Collection method: clinical testing. Allele origin: germline.
Comment: This sequence change replaces arginine, which is basic and polar, with tryptophan, which is neutral and slightly polar, at codon 975 of the RYR1 protein (p.Arg975Trp). This variant is not present in population databases (gnomAD no frequency). This missense change has been observed in individual(s) with clinical features of RYR1-related conditions (PMID: 23558838, 30155738). ClinVar contains an entry for this variant (Variation ID: 451566). Invitae Evidence Modeling of protein sequence and biophysical properties (such as structural, functional, and spatial information, amino acid conservation, physicochemical variation, residue mobility, and thermodynamic stability) has been performed for this missense variant. However, the output from this modeling did not meet the statistical confidence thresholds required to predict the impact of this variant on RYR1 protein function. In summary, the available evidence is currently insufficient to determine the role of this variant in disease. Therefore, it has been classified as a Variant of Uncertain Significance.

All of Us Research Program, National Institutes of Health
Classification: Uncertain significance for Malignant hyperthermia, susceptibility to, 1. Last evaluated: 2024-05-14. Review status: criteria provided, single submitter. Criteria: ACMG Guidelines, 2015. Collection method: clinical testing. Allele origin: germline. Inheritance: Autosomal dominant inheritance. Observed: 6 variant alleles, 6 heterozygotes.
Comment: This missense variant replaces arginine with tryptophan at codon 975 of the RYR1 protein. Computational prediction is inconclusive regarding the impact of this variant on protein structure and function (internally defined REVEL score threshold 0.5 < inconclusive < 0.7, PMID: 27666373). To our knowledge, functional studies have not been reported for this variant. This variant has not been reported in individuals affected with autosomal dominant malignant hyperthermia susceptibility in the literature, although it has been reported in individuals affected with other phenotype(s) (ClinVar Variation ID: 451566; PMID: 23558838, 30155738). This variant has been identified in 1/246238 chromosomes in the general population by the Genome Aggregation Database (gnomAD). The available evidence is insufficient to determine the role of this variant in disease conclusively. Therefore, this variant is classified as a Variant of Uncertain Significance.

This study involves interpretation of variants in research participants for the purpose of population health screening. Participant phenotype was not available at the time of variant classification. Additional details can be found in publication PMID: 35346344, PMCID: PMC8962531

Color Diagnostics, LLC DBA Color Health
Classification: Uncertain significance for Malignant hyperthermia, susceptibility to, 1. Last evaluated: 2024-05-03. Review status: criteria provided, single submitter. Criteria: ACMG Guidelines, 2015. Collection method: clinical testing. Allele origin: germline.
Comment: This missense variant replaces arginine with tryptophan at codon 975 of the RYR1 protein. Computational prediction is inconclusive regarding the impact of this variant on protein structure and function. To our knowledge, functional studies have not been reported for this variant. This variant has not been reported in individuals affected with autosomal dominant malignant hyperthermia susceptibility in the literature, although it has been reported in individuals affected with other phenotype(s) (ClinVar Variation ID: 451566PMID: 23558838, 30155738). This variant has been identified in 1/246238 chromosomes in the general population by the Genome Aggregation Database (gnomAD). The available evidence is insufficient to determine the role of this variant in disease conclusively. Therefore, this variant is classified as a Variant of Uncertain Significance.

Fulgent Genetics
Classification: Uncertain significance for Central core myopathy; Malignant hyperthermia, susceptibility to, 1; Congenital myopathy 4A, autosomal dominant; Congenital multicore myopathy with external ophthalmoplegia; King Denborough syndrome. Last evaluated: 2021-11-09. Review status: criteria provided, single submitter. Criteria: ACMG Guidelines, 2015. Collection method: clinical testing. Allele origin: unknown.

PreventionGenetics, part of Exact Sciences
Classification: Uncertain significance. Last evaluated: 2017-07-20. Review status: criteria provided, single submitter. Criteria: ACMG Guidelines, 2015. Collection method: clinical testing. Allele origin: germline.

Literature cited by the submitters: PubMed 23558838 (cited by Labcorp Genetics (formerly Invitae), Labcorp and All of Us Research Program, National Institutes of Health); PubMed 30155738 (cited by Labcorp Genetics (formerly Invitae), Labcorp and All of Us Research Program, National Institutes of Health).